The following is an entry in ClinVar:

ClinVar aggregate classification (germline): Likely benign. Review status: criteria provided, multiple submitters, no conflicts (2 of 4 stars). 2 submissions from 2 submitters: Likely benign (2). Last evaluated 2023-05-19.

Submissions (2):

Labcorp Genetics (formerly Invitae), Labcorp
Classification: Likely benign. Last evaluated: 2023-05-19. Review status: criteria provided, single submitter. Criteria: Invitae Variant Classification Sherloc (09022015). Collection method: clinical testing. Allele origin: germline.

GeneDx
Classification: Likely benign. Last evaluated: 2016-06-10. Review status: criteria provided, single submitter. Criteria: GeneDx Variant Classification (06012015). Collection method: clinical testing. Allele origin: germline. Affected: yes.
Comment: This variant is considered likely benign or benign based on one or more of the following criteria: it is a conservative change, it occurs at a poorly conserved position in the protein, it is predicted to be benign by multiple in silico algorithms, and/or has population frequency not consistent with disease.

NM_080916.3(DGUOK):c.142+10_142+40del

Genes: DGUOK (deoxyguanosine kinase; plus strand), LOC129934096 (ATAC-STARR-seq lymphoblastoid active region 16036; plus strand). Cytogenetic location: 2p13.1.
Variant type: Deletion.
Coding change: c.142+10_142+40del on transcript NM_080916.3 (MANE Select); bases 10 to 40 of the intron after coding-DNA position 142, 31 bases deleted.
Molecular consequence: intron variant.
Genome position (GRCh38, 1-based): chr2:73,927,062-73,927,092, 31 bases deleted; deleting any 31 consecutive bases within chr2:73,927,059-73,927,092 gives the same sequence; the c. name uses the placement nearest the transcript's 3' end. GRCh37 (hg19): chr2:74,154,189-74,154,219.
Other names: c.-123+10_-123+40del (NM_001318861.2, NM_001318862.2); c.142+10_142+40del (NM_080918.3, NM_001318859.2); c.-37+10_-37+40del (NM_001318860.2, NM_001318863.2).
Identifiers: ClinVar variation 421236 (VCV000421236.4), dbSNP rs752158224, ClinGen allele CA1718152.